The following is an entry in ClinVar:

ClinVar aggregate classification (germline): Uncertain significance (1 of 4 stars; one submission).

Conditions:
NIK deficiency. Also called: Primary immunodeficiency with multifaceted aberrant lymphoid immunity. Identifiers: Orphanet 447731, MedGen C5680065, MONDO:0018642.

Allele frequency attached by ClinVar (database versions not stated): TOPMed below 0.00001.

Submission:

Labcorp Genetics (formerly Invitae), Labcorp
Classification: Uncertain significance for NIK deficiency. Last evaluated: 2022-07-26. Review status: criteria provided, single submitter. Criteria: Invitae Variant Classification Sherloc (09022015). Collection method: clinical testing. Allele origin: germline.
Comment: In summary, the available evidence is currently insufficient to determine the role of this variant in disease. Therefore, it has been classified as a Variant of Uncertain Significance. Experimental studies and prediction algorithms are not available or were not evaluated, and the functional significance of this variant is currently unknown. ClinVar contains an entry for this variant (Variation ID: 1422060). This variant has not been reported in the literature in individuals affected with MAP3K14-related conditions. This variant is not present in population databases (gnomAD no frequency). This sequence change replaces glutamic acid, which is acidic and polar, with alanine, which is neutral and non-polar, at codon 334 of the MAP3K14 protein (p.Glu334Ala).

NM_003954.5(MAP3K14):c.1001A>C (p.Glu334Ala)

Gene: MAP3K14 (mitogen-activated protein kinase kinase kinase 14; minus strand). Cytogenetic location: 17q21.31.
Variant type: single nucleotide variant.
Coding change: c.1001A>C on transcript NM_003954.5 (MANE Select); coding-DNA position 1001, A replaced by C.
Protein change: p.Glu334Ala; replaces glutamic acid 334 with alanine.
Molecular consequence: missense variant.
Genome position (GRCh38, 1-based): chr17:45,286,582, T>G on the plus strand (A>C on the coding strand, the complement: MAP3K14 is on the minus strand). VCF-style: chr17-45286582-T-G. GRCh37 (hg19) VCF-style: chr17-43363949-T-G.
Other names: short protein forms E334A.
Identifiers: ClinVar variation 1422060 (VCV001422060.6), dbSNP rs1598255366, ClinGen allele CA399887785.
Genomic context (GRCh38, chr17:45,286,582, plus strand): 5'-GTCAGGCTGTGGGCCTGGCCTGAGCTCACGCTGCCTTGCAGAGCATGCACTAGGTATTCC[T>G]CCACAGAAAACTTCTCATGGGCACCACGAGACAGGCAGCTGGGCTCCAGGTGTGGGCCAG-3'
Protein context (NP_003945.2, residues 324-344): SRGAHEKFSV[Glu334Ala]EYLVHALQGS